The following is an entry in ClinVar:

ClinVar aggregate classification (germline): Pathogenic/Likely pathogenic. Review status: criteria provided, multiple submitters, no conflicts (2 of 4 stars). 2 submissions from 2 submitters: Pathogenic (1); Likely pathogenic (1). Last evaluated 2024-12-17.

Conditions:
Severe X-linked myotubular myopathy (CNMX). Also called: MYOTUBULAR MYOPATHY 1; X-linked centronuclear myopathy; Myotubular myopathy, X-linked. Identifiers: Orphanet 596, MedGen C0410203, MONDO:0010683, OMIM 310400.

Submissions (2):

Labcorp Genetics (formerly Invitae), Labcorp
Classification: Likely pathogenic for Severe X-linked myotubular myopathy. Last evaluated: 2024-12-17. Review status: criteria provided, single submitter. Criteria: Invitae Variant Classification Sherloc (09022015). Collection method: clinical testing. Allele origin: germline.
Comment: This sequence change affects a donor splice site in intron 11 of the MTM1 gene. It is expected to disrupt RNA splicing. Variants that disrupt the donor or acceptor splice site typically lead to a loss of protein function (PMID: 16199547), and loss-of-function variants in MTM1 are known to be pathogenic (PMID: 9305655, 10063835). This variant is not present in population databases (gnomAD no frequency). Disruption of this splice site has been observed in individual(s) with myotubular myopathy (PMID: 9305655). ClinVar contains an entry for this variant (Variation ID: 158910). Algorithms developed to predict the effect of sequence changes on RNA splicing suggest that this variant may disrupt the consensus splice site. In summary, the currently available evidence indicates that the variant is pathogenic, but additional data are needed to prove that conclusively. Therefore, this variant has been classified as Likely Pathogenic.

Genetic Services Laboratory, University of Chicago
Classification: Pathogenic for Myotubular myopathy, X-linked. Last evaluated: 2013-02-08. Review status: criteria provided, single submitter. Criteria: ACMG Guidelines, 2007. Collection method: clinical testing. Allele origin: germline. Inheritance: X-linked inheritance. Affected: yes.

Literature cited by the submitters: PubMed 16199547 (cited by Labcorp Genetics (formerly Invitae), Labcorp); PubMed 9305655 (cited by Labcorp Genetics (formerly Invitae), Labcorp); PubMed 10063835 (cited by Labcorp Genetics (formerly Invitae), Labcorp).

NM_000252.3(MTM1):c.1260+1G>A

Gene: MTM1 (myotubularin 1; plus strand). Cytogenetic location: Xq28.
Variant type: single nucleotide variant.
Coding change: c.1260+1G>A on transcript NM_000252.3 (MANE Select); the canonical splice donor site of the intron after coding-DNA position 1260, G replaced by A.
Molecular consequence: splice donor variant.
Genome position (GRCh38, 1-based): chrX:150,658,028, G>A. VCF-style: chrX-150658028-G-A. GRCh37 (hg19) VCF-style: chrX-149826501-G-A.
Other names: c.1260+1G>A (NM_001376908.1, NM_001376906.1); c.1149+1G>A (NM_001376907.1).
Identifiers: ClinVar variation 158910 (VCV000158910.8), dbSNP rs587783768, ClinGen allele CA271763.